The following is an entry in ClinVar:

NM_004456.5(EZH2):c.1917A>G (p.Lys639=)

Gene: EZH2 (enhancer of zeste 2 polycomb repressive complex 2 subunit; minus strand). Cytogenetic location: 7q36.1.
Variant type: single nucleotide variant.
Coding change: c.1917A>G on transcript NM_004456.5 (MANE Select); coding-DNA position 1917, A replaced by G.
Protein change: p.Lys639=; no amino-acid change (lysine 639 retained).
Molecular consequence: synonymous variant.
Genome position (GRCh38, 1-based): chr7:148,811,655, T>C on the plus strand (A>G on the coding strand, the complement: EZH2 is on the minus strand). VCF-style: chr7-148811655-T-C. GRCh37 (hg19) VCF-style: chr7-148508747-T-C.
Other names: c.1902A>G, p.Lys634= (NM_001203247.2); c.1875A>G, p.Lys625= (NM_001203248.2); c.1749A>G, p.Lys583= (NM_001203249.2); c.1785A>G, p.Lys595= (NM_152998.3).
Identifiers: ClinVar variation 2658139 (VCV002658139.24), dbSNP rs1301957283, ClinGen allele CA458345817.

ClinVar aggregate classification (germline): Likely benign (1 of 4 stars; one submission).

Allele frequency attached by ClinVar (database versions not stated): gnomAD exomes below 0.00001; TOPMed below 0.00001; gnomAD 0.00001.
gnomAD v4.1: 2 of 1,613,770 alleles (0.00012%); highest among the groups gnomAD compares: Non-Finnish European, 0.00017%; no homozygotes.

Submission:

CeGaT Center for Human Genetics Tuebingen
Classification: Likely benign. Last evaluated: 2022-08-01. Review status: criteria provided, single submitter. Criteria: CeGaT Center For Human Genetics Tuebingen Variant Classification Criteria Version 2. Collection method: clinical testing. Allele origin: germline. Affected: yes. Observed: 1 variant allele.
Comment: EZH2: BP4, BP7